The following is an entry in ClinVar:

NM_020778.5(ALPK3):c.-6G>A

Gene: ALPK3 (alpha kinase 3; plus strand). Cytogenetic location: 15q25.3.
Variant type: single nucleotide variant.
Coding change: c.-6G>A on transcript NM_020778.5 (MANE Select); 6 bases upstream of the start codon, G replaced by A.
Molecular consequence: 5 prime UTR variant.
Genome position (GRCh38, 1-based): chr15:84,817,447, G>A. VCF-style: chr15-84817447-G-A. GRCh37 (hg19) VCF-style: chr15-85360678-G-A.
Identifiers: ClinVar variation 1387765 (VCV001387765.6), dbSNP rs1963372517, ClinGen allele CA393369246.

ClinVar aggregate classification (germline): Uncertain significance (1 of 4 stars; one submission).

Allele frequency attached by ClinVar (database versions not stated): TOPMed below 0.00001; gnomAD 0.00001.

Submission:

Labcorp Genetics (formerly Invitae), Labcorp
Classification: Uncertain significance. Last evaluated: 2021-10-18. Review status: criteria provided, single submitter. Criteria: Invitae Variant Classification Sherloc (09022015). Collection method: clinical testing. Allele origin: germline.
Comment: Algorithms developed to predict the effect of missense changes on protein structure and function output the following: SIFT: "Tolerated"; PolyPhen-2: "Benign"; Align-GVGD: "Class C0". The serine amino acid residue is found in multiple mammalian species, which suggests that this missense change does not adversely affect protein function. In summary, the available evidence is currently insufficient to determine the role of this variant in disease. Therefore, it has been classified as a Variant of Uncertain Significance. This variant has not been reported in the literature in individuals affected with ALPK3-related conditions. The frequency data for this variant in the population databases is considered unreliable, as metrics indicate insufficient coverage at this position in the ExAC database. This sequence change replaces glycine with serine at codon 201 of the ALPK3 protein (p.Gly201Ser). The glycine residue is weakly conserved and there is a small physicochemical difference between glycine and serine.